The following is an entry in ClinVar:

NM_000088.4(COL1A1):c.136del (p.Arg46fs)

Gene: COL1A1 (collagen type I alpha 1 chain; minus strand). Cytogenetic location: 17q21.33.
Variant type: Deletion.
Coding change: c.136del on transcript NM_000088.4 (MANE Select); coding-DNA position 136, one base deleted (A; older notation c.136delA).
Protein change: p.Arg46fs; shifts the reading frame from arginine 46.
Molecular consequence: frameshift variant.
Genome position (GRCh38, 1-based): chr17:50,199,915, T deleted on the plus strand (A on the coding strand, the reverse complement: COL1A1 is on the minus strand). VCF-style (leftmost placement, unchanged base first): chr17-50199914-CT-C. GRCh37 (hg19) VCF-style: chr17-48277275-CT-C.
Other names: short protein forms R46fs.
Identifiers: ClinVar variation 4851877 (VCV004851877.1).

ClinVar aggregate classification (germline): Likely pathogenic (1 of 4 stars; one submission).

Submission:

Dasa
Classification: Likely pathogenic. Last evaluated: 2024-05-27. Review status: criteria provided, single submitter. Criteria: DASA Assertion Criteria. Collection method: clinical testing. Allele origin: germline.
Comment: NM_000088.4(COL1A1):c.136del (p.Arg46Glyfs*28) introduces a premature termination codon predicted to result in loss of normal protein function. Loss-of-function is an established mechanism of disease for this gene. Multiple computational predictions support a deleterious effect on the gene or gene product. Based on the available data, this variant is classified as likely pathogenic.